The following is an entry in ClinVar:

NM_001081.4(CUBN):c.2860C>G (p.His954Asp)

Gene: CUBN (cubilin; minus strand). Cytogenetic location: 10p13.
Variant type: single nucleotide variant.
Coding change: c.2860C>G on transcript NM_001081.4 (MANE Select); coding-DNA position 2860, C replaced by G.
Protein change: p.His954Asp; replaces histidine 954 with aspartic acid.
Molecular consequence: missense variant.
Genome position (GRCh38, 1-based): chr10:17,068,212, G>C on the plus strand (C>G on the coding strand, the complement: CUBN is on the minus strand). VCF-style: chr10-17068212-G-C. GRCh37 (hg19) VCF-style: chr10-17110211-G-C.
Other names: short protein forms H954D.
Identifiers: ClinVar variation 2868056 (VCV002868056.1), dbSNP rs766733151, ClinGen allele CA376156335.

ClinVar aggregate classification (germline): Uncertain significance (1 of 4 stars; one submission).

Conditions:
Imerslund-Grasbeck syndrome. Also called: Megaloblastic anemia due to inborn errors of metabolism; ENTEROCYTE COBALAMIN MALABSORPTION; ENTEROCYTE INTRINSIC FACTOR RECEPTOR, DEFECT OF; PERNICIOUS ANEMIA, JUVENILE, DUE TO SELECTIVE INTESTINAL MALABSORPTION OF VITAMIN B12, WITH PROTEINURIA; Imerslund-Gräsbeck syndrome. Identifiers: Orphanet 35858, MedGen C4551825, MONDO:0009853.

Allele frequency attached by ClinVar (database versions not stated): TOPMed 0.00001.
gnomAD v4.1: 4 of 1,613,610 alleles (0.00025%); highest among the groups gnomAD compares: Admixed American, 0.0033%; no homozygotes.

Submission:

Labcorp Genetics (formerly Invitae), Labcorp
Classification: Uncertain significance for Imerslund-Grasbeck syndrome. Last evaluated: 2023-08-24. Review status: criteria provided, single submitter. Criteria: Invitae Variant Classification Sherloc (09022015). Collection method: clinical testing. Allele origin: germline.
Comment: This sequence change replaces histidine, which is basic and polar, with aspartic acid, which is acidic and polar, at codon 954 of the CUBN protein (p.His954Asp). This variant is present in population databases (no rsID available, gnomAD 0.003%). This variant has not been reported in the literature in individuals affected with CUBN-related conditions. Advanced modeling of protein sequence and biophysical properties (such as structural, functional, and spatial information, amino acid conservation, physicochemical variation, residue mobility, and thermodynamic stability) performed at Invitae indicates that this missense variant is not expected to disrupt CUBN protein function. In summary, the available evidence is currently insufficient to determine the role of this variant in disease. Therefore, it has been classified as a Variant of Uncertain Significance.